The following is an entry in ClinVar:

NM_024675.4(PALB2):c.424A>T (p.Lys142Ter)

Gene: PALB2 (partner and localizer of BRCA2; minus strand). Cytogenetic location: 16p12.2.
Variant type: single nucleotide variant.
Coding change: c.424A>T on transcript NM_024675.4 (MANE Select); coding-DNA position 424, A replaced by T.
Protein change: p.Lys142Ter; replaces lysine 142 with a stop codon.
Molecular consequence: nonsense.
Genome position (GRCh38, 1-based): chr16:23,636,122, T>A on the plus strand (A>T on the coding strand, the complement: PALB2 is on the minus strand). VCF-style: chr16-23636122-T-A. GRCh37 (hg19) VCF-style: chr16-23647443-T-A.
Other names: short protein forms K142*.
Identifiers: ClinVar variation 141779 (VCV000141779.34), dbSNP rs587782005, ClinGen allele CA166400.
Genomic context (GRCh38, chr16:23,636,122, plus strand): 5'-AGTCTCTCTCCTGTGAAATAAATGTCCTCTTCTGCTGCTTCTTTCTTCTGCTTGGCAGCT[T>A]CTGCTTTTGCTCACCACTAGGGTCACTGACCCTGTGGGGAAAATGTTCTTGGGTGTCATC-3'

ClinVar aggregate classification (germline): Pathogenic. Review status: criteria provided, multiple submitters, no conflicts (2 of 4 stars). 14 submissions from 14 submitters: Pathogenic (12). 2 of the submissions do not count toward it. Last evaluated 2025-12-09.

Conditions:
PALB2-related disorder. Also called: PALB2-related condition; PALB2-related disorders.
Hereditary cancer-predisposing syndrome. Also called: Neoplastic Syndromes, Hereditary; Tumor predisposition; Hereditary Cancer Syndrome; Hereditary neoplastic syndrome. Identifiers: Orphanet 140162, MedGen C0027672, MeSH D009386, MONDO:0015356.
Familial cancer of breast. Also called: BREAST CANCER, FAMILIAL; Hereditary breast cancer; hereditary breast carcinoma. Identifiers: Orphanet 227535, MedGen C0346153, MONDO:0016419, OMIM 114480. Disease mechanism: loss of function.
Breast cancer, susceptibility to. Identifiers: MedGen C3469522. Disease mechanism: gain of function.
Malignant tumor of breast. Also called: Malignant breast neoplasm; Cancer breast. Identifiers: MedGen C0006142, MONDO:0007254. Disease mechanism: loss of function.

Allele frequency attached by ClinVar (database versions not stated): ExAC 0.00001; gnomAD 0.00001; gnomAD exomes 0.00001.
gnomAD v4.1: 12 of 1,613,488 alleles (0.00074%); highest among the groups gnomAD compares: African/African-American, 0.0027%; no homozygotes.

Submissions (14):

Labcorp Genetics (formerly Invitae), Labcorp
Classification: Pathogenic for Familial cancer of breast. Last evaluated: 2025-12-09. Review status: criteria provided, single submitter. Criteria: Invitae Variant Classification Sherloc (09022015). Collection method: clinical testing. Allele origin: germline.
Comment: This sequence change creates a premature translational stop signal (p.Lys142*) in the PALB2 gene. It is expected to result in an absent or disrupted protein product. Loss-of-function variants in PALB2 are known to be pathogenic (PMID: 17200668, 17200671, 17200672, 24136930, 25099575). This variant is present in population databases (rs587782005, gnomAD 0.002%). This premature translational stop signal has been observed in individual(s) with breast cancer (PMID: 28779002). ClinVar contains an entry for this variant (Variation ID: 141779). For these reasons, this variant has been classified as Pathogenic.

Ambry Genetics
Classification: Pathogenic for Hereditary cancer-predisposing syndrome. Last evaluated: 2025-05-01. Review status: criteria provided, single submitter. Criteria: Ambry Variant Classification Scheme 2023. Collection method: clinical testing. Allele origin: germline.
Comment: The p.K142* pathogenic mutation (also known as c.424A>T), located in coding exon 4 of the PALB2 gene, results from an A to T substitution at nucleotide position 424. This changes the amino acid from a lysine to a stop codon within coding exon 4. This mutation was identified in a cohort of breast cancer patients from the UK and was not present in controls (Decker B et al. J. Med. Genet. 2017 Nov;54:732-741). In addition to the clinical data presented in the literature, this alteration is expected to result in loss of function by premature protein truncation or nonsense-mediated mRNA decay. As such, this alteration is interpreted as a disease-causing mutation.

Color Diagnostics, LLC DBA Color Health
Classification: Pathogenic for Hereditary cancer-predisposing syndrome. Last evaluated: 2025-02-03. Review status: criteria provided, single submitter. Criteria: ACMG Guidelines, 2015. Collection method: clinical testing. Allele origin: germline.
Comment: This variant changes 1 nucleotide in exon 4 of the PALB2 gene, creating a premature translation stop signal. This variant is expected to result in an absent or non-functional protein product. This variant has been reported in individuals affected with breast and/or ovarian cancer (PMID: 26689913, 29625052, 30322717, 31428676). This variant has been detected in a breast cancer case-control meta-analysis in 1/60466 cases and 0/53461 unaffected individuals (PMID: 33471991; Leiden Open Variation Database DB-ID PALB2_011185). This variant has been identified in 2/251270 chromosomes in the general population by the Genome Aggregation Database (gnomAD). Loss of PALB2 function is a known mechanism of disease. Based on the available evidence, this variant is classified as Pathogenic.

Molecular Pathology, Peter Maccallum Cancer Centre
Classification: Pathogenic for Familial cancer of breast. Last evaluated: 2024-01-23. Review status: criteria provided, single submitter. Criteria: ACMG Guidelines, 2015. Collection method: clinical testing. Allele origin: germline. Inheritance: Autosomal dominant inheritance.

Baylor Genetics
Classification: Pathogenic for Familial cancer of breast. Last evaluated: 2024-01-17. Review status: criteria provided, single submitter. Criteria: ACMG Guidelines, 2015. Collection method: clinical testing. Allele origin: unknown.

GeneDx
Classification: Pathogenic. Last evaluated: 2023-09-22. Review status: criteria provided, single submitter. Criteria: GeneDx Variant Classification Process June 2021. Collection method: clinical testing. Allele origin: germline. Affected: yes.
Comment: Nonsense variant predicted to result in protein truncation and nonsense mediated decay in a gene for which loss of function is a known mechanism of disease; Not observed at significant frequency in large population cohorts (gnomAD); Truncating variants in this gene are considered pathogenic by a well-established clinical consortium and/or database; This variant is associated with the following publications: (PMID: 28152038, 28779002, 29922827, 26689913, 29625052, 17200672, 17200671, 17200668, 25099575, 35753512, 33471991, 30322717, 24136930, 32885271)

Greenwood Genetic Center Diagnostic Laboratories, Greenwood Genetic Center
Classification: Pathogenic for PALB2-related disorder. Last evaluated: 2023-09-11. Review status: criteria provided, single submitter. Criteria: ACMG Guidelines, 2015. Collection method: clinical testing. Allele origin: germline.
Comment: PVS1, PS4, PM2

Myriad Genetics, Inc.
Classification: Pathogenic for Familial cancer of breast. Last evaluated: 2023-03-31. Review status: criteria provided, single submitter. Criteria: Myriad Autosomal Dominant, Autosomal Recessive and X-Linked Classification Criteria (2023). Collection method: clinical testing. Allele origin: unknown.
Comment: This variant is considered pathogenic. This variant creates a termination codon and is predicted to result in premature protein truncation.

Sema4
Classification: Pathogenic for Hereditary cancer-predisposing syndrome. Last evaluated: 2022-03-09. Review status: criteria provided, single submitter. Criteria: Sema4 Curation Guidelines. Collection method: curation. Allele origin: germline.
Comment: The PALB2 c.424A>T (p.K142X) variant has been reported in heterozygosity in at least five individuals with breast cancer and/or ovarian cancer (PMID: 28779002, 29625052, 30322717, 32885271, 33471991). This nonsense variant creates a premature stop codon at residue 142 of the PALB2 protein. At this location, this variant is predicted to cause loss of normal protein function either through protein truncation or nonsense-mediated mRNA decay. Loss of function of the PALB2 gene is an established disease mechanism (PMID: 17200668). This variant was observed in 2/113688 chromosomes in the Non-Finnish European population, according to the Genome Aggregation Database (PMID: 32461654). The variant has been reported in ClinVar (Variation ID: 141779). Based on the current evidence available, this variant is interpreted as pathogenic.

ARUP Laboratories, Molecular Genetics and Genomics, ARUP Laboratories
Classification: Pathogenic. Last evaluated: 2022-02-24. Review status: criteria provided, single submitter. Criteria: ARUP Molecular Germline Variant Investigation Process 2021. Collection method: clinical testing. Allele origin: germline.
Comment: The PALB2 c.424A>T; p.Lys142Ter variant (rs587782005) is reported in the literature in individuals affected with breast or ovarian cancer (Carter 2018, Decker 2017, Huang 2018). This variant is also reported in ClinVar (Variation ID: 141779), but is only observed on two alleles in the Genome Aggregation Database, indicating it is not a common polymorphism. This variant induces an early termination codon and is predicted to result in a truncated protein or mRNA subject to nonsense-mediated decay. Based on available information, this variant is considered to be pathogenic. References: Carter NJ et al. Germline pathogenic variants identified in women with ovarian tumors. Gynecol Oncol. 2018 Dec;151(3):481-488. PMID: 30322717. Decker B et al. Rare, protein-truncating variants in ATM, CHEK2 and PALB2, but not XRCC2, are associated with increased breast cancer risks. J Med Genet. 2017 Nov;54(11):732-741. PMID: 28779002. Huang KL et al. Pathogenic Germline Variants in 10,389 Adult Cancers. Cell. 2018 Apr 5;173(2):355-370.e14. PMID: 29625052.

Women's Health and Genetics/Laboratory Corporation of America, LabCorp
Classification: Pathogenic for Malignant tumor of breast. Last evaluated: 2021-12-17. Review status: criteria provided, single submitter. Criteria: LabCorp Variant Classification Summary - May 2015. Collection method: clinical testing. Allele origin: germline.
Comment: Variant summary: PALB2 c.424A>T (p.Lys142X) results in a premature termination codon, predicted to cause a truncation of the encoded protein or absence of the protein due to nonsense mediated decay, which are commonly known mechanisms for disease. Truncations downstream of this position have been classified as pathogenic by our laboratory. The variant allele was found at a frequency of 8e-06 in 251270 control chromosomes (gnomAD). c.424A>T has been reported in the literature in individuals affected with breast cancer and ovarian cancer (e.g. Decker_2017, Carter_2018, Huang_2018). These data indicate that the variant is likely to be associated with disease. Five ClinVar submitters (evaluation after 2014) cite the variant as pathogenic. Based on the evidence outlined above, the variant was classified as pathogenic.

National Institute of Allergy and Infectious Diseases - Centralized Sequencing Program, National Institutes of Health
Classification: Pathogenic for Breast cancer, susceptibility to. Last evaluated: 2021-08-06. Review status: criteria provided, single submitter. Criteria: ACMG Guidelines, 2015. Collection method: clinical testing. Allele origin: germline. Affected: yes.

Counsyl
Classification: Pathogenic for Familial cancer of breast. Last evaluated: 2018-02-06. Review status: no assertion criteria provided. Collection method: clinical testing. Allele origin: unknown. Not counted in ClinVar's aggregate classification.

Department of Pathology and Laboratory Medicine, Sinai Health System
Classification: Pathogenic for Malignant tumor of breast. Review status: no assertion criteria provided. Collection method: clinical testing. Allele origin: unknown. Affected: yes. Observed: 3 variant alleles. Study: The Canadian Open Genetics Repository (COGR). Not counted in ClinVar's aggregate classification.
Comment: The PALB2 p.Lys142X variant was not identified in the literature nor was it identified in the COSMIC, MutDB, LOVD 3.0, or Zhejiang Colon Cancer databases. The variant was identified in dbSNP (ID: rs587782005) as â€šÃ„ÃºWith Pathogenic alleleâ€šÃ„Ã¹, and in the ClinVar and Clinvitae databases (3x classified as pathogenic by Ambry Genetics, GeneDx and Invitae). The variant was identified in control databases in 2 of 246078 chromosomes at a frequency of 0.000008 (Genome Aggregation Database Feb 27, 2017). Breakdown of the observations by population include European (Non-Finnish) in 2 of 111646 chromosomes (freq: 0.000018), while the variant was not observed in the African, Ashkenazi Jewish, East Asian, European (Finnish), Latino, Other, and South Asian populations. The c.424A>T variant leads to a premature stop codon at position 142 which is predicted to result in a truncated or absent protein and loss of function. Loss of function variants of the PALB2 gene are an established mechanism of disease in breast cancer and is the type of variant expected to cause the disorder. In summary, based on the above information this variant meets our laboratoryâ€šÃ„Ã´s criteria to be classified as pathogenic.

Literature cited by the submitters: PubMed 17200668 (cited by Labcorp Genetics (formerly Invitae), Labcorp and Sema4); PubMed 17200671 (cited by Labcorp Genetics (formerly Invitae), Labcorp); PubMed 17200672 (cited by Labcorp Genetics (formerly Invitae), Labcorp); PubMed 24136930 (cited by Labcorp Genetics (formerly Invitae), Labcorp); PubMed 25099575 (cited by Labcorp Genetics (formerly Invitae), Labcorp); PubMed 28779002 (cited by 5 submitters); PubMed 26689913 (cited by Color Diagnostics, LLC DBA Color Health and Counsyl); PubMed 29625052 (cited by 3 submitters); PubMed 30322717 (cited by 3 submitters); PubMed 31428676 (cited by Color Diagnostics, LLC DBA Color Health); PubMed 33471991 (cited by Color Diagnostics, LLC DBA Color Health and Sema4); PubMed 32885271 (cited by Sema4); PubMed 28152038 (cited by Women's Health and Genetics/Laboratory Corporation of America, LabCorp).